The following is an entry in ClinVar:

ClinVar aggregate classification (germline): Uncertain significance (1 of 4 stars; one submission).

Conditions:
Ehlers-Danlos syndrome, classic type, 1 (EDSCL1). Also called: Ehlers-Danlos Syndrome, Classic Type, COL5A1-Related; EDS I; EHLERS-DANLOS SYNDROME, GRAVIS TYPE; EHLERS-DANLOS SYNDROME, SEVERE CLASSIC TYPE; Ehlers-Danlos syndrome, type 1. Identifiers: MedGen C0268335, MONDO:0019567, OMIM 130000.

Submission:

Labcorp Genetics (formerly Invitae), Labcorp
Classification: Uncertain significance for Ehlers-Danlos syndrome, classic type, 1. Last evaluated: 2025-10-17. Review status: criteria provided, single submitter. Criteria: Invitae Variant Classification Sherloc (09022015). Collection method: clinical testing. Allele origin: germline.
Comment: This sequence change replaces alanine, which is neutral and non-polar, with glutamic acid, which is acidic and polar, at codon 95 of the COL5A1 protein (p.Ala95Glu). This variant is not present in population databases (gnomAD no frequency). This variant has not been reported in the literature in individuals affected with COL5A1-related conditions. Invitae Evidence Modeling of protein sequence and biophysical properties (such as structural, functional, and spatial information, amino acid conservation, physicochemical variation, residue mobility, and thermodynamic stability) indicates that this missense variant is not expected to disrupt COL5A1 protein function with a negative predictive value of 95%. In summary, the available evidence is currently insufficient to determine the role of this variant in disease. Therefore, it has been classified as a Variant of Uncertain Significance.

NM_000093.5(COL5A1):c.284C>A (p.Ala95Glu)

Gene: COL5A1 (collagen type V alpha 1 chain; plus strand). Cytogenetic location: 9q34.3.
Variant type: single nucleotide variant.
Coding change: c.284C>A on transcript NM_000093.5 (MANE Select); coding-DNA position 284, C replaced by A.
Protein change: p.Ala95Glu; replaces alanine 95 with glutamic acid.
Molecular consequence: missense variant.
Genome position (GRCh38, 1-based): chr9:134,699,915, C>A. VCF-style: chr9-134699915-C-A. GRCh37 (hg19) VCF-style: chr9-137591761-C-A.
Other names: c.284C>A, p.Ala95Glu (NM_001278074.1); short protein forms A95E.
Identifiers: ClinVar variation 4811675 (VCV004811675.1).
Genomic context (GRCh38, chr9:134,699,915, plus strand): 5'-GGTGTGGTTGCAGGGGCTCCCCGACTGCCTTCTCACCTCTGTGCTCTGTTCCAGCGTCTG[C>A]ATTTCCCGAGGACTTCTCCATCCTAACAACTGTGAAAGCCAAGAAAGGCAGCCAGGCCTT-3'
Protein context (NP_000084.3, residues 85-105): APTKQLYPAS[Ala95Glu]FPEDFSILTT